The following is an entry in ClinVar:

NM_000059.4(BRCA2):c.8755-1008G>C

Gene: BRCA2 (BRCA2 DNA repair associated; plus strand). Cytogenetic location: 13q13.1.
Variant type: single nucleotide variant.
Coding change: c.8755-1008G>C on transcript NM_000059.4 (MANE Select); 1008 bases into the intron before coding-DNA position 8755, G replaced by C.
Molecular consequence: intron variant.
Genome position (GRCh38, 1-based): chr13:32,378,309, G>C. VCF-style: chr13-32378309-G-C. GRCh37 (hg19) VCF-style: chr13-32952446-G-C.
Other names: IVS 21-1008G>C.
Identifiers: ClinVar variation 209842 (VCV000209842.1), dbSNP rs117168405, ClinGen allele CA276810.

ClinVar aggregate classification (germline): Benign (3 of 4 stars; one submission).

Conditions:
Breast-ovarian cancer, familial, susceptibility to, 2 (BROVCA2). Also called: BRCA2 Hereditary Breast and Ovarian Cancer. Identifiers: Orphanet 145, MedGen C2675520, MONDO:0012933, OMIM 612555. Disease mechanism: loss of function.

Allele frequency attached by ClinVar (database versions not stated): 1000 Genomes Project 30x 0.00656; 1000 Genomes Project 0.00679; TOPMed 0.00946; gnomAD 0.01129 and 0.01132.
gnomAD v4.1: 1,699 of 152,328 alleles (1.1%); highest among the groups gnomAD compares: Non-Finnish European, 1.6%; 18 homozygotes.

Submission:

Evidence-based Network for the Interpretation of Germline Mutant Alleles (ENIGMA)
Classification: Benign for Breast-ovarian cancer, familial 2. Last evaluated: 2015-01-12. Review status: reviewed by expert panel. Criteria: ENIGMA BRCA1/2 Classification Criteria (2015). Collection method: curation. Allele origin: germline.
Comment: Class 1 not pathogenic based on frequency >1% in an outbred sampleset. Frequency 0.0277 (European), derived from 1000 genomes (2012-04-30).